The following is an entry in ClinVar:

ClinVar aggregate classification (germline): Uncertain significance (1 of 4 stars; one submission).

Submission:

Labcorp Genetics (formerly Invitae), Labcorp
Classification: Uncertain significance. Last evaluated: 2022-10-17. Review status: criteria provided, single submitter. Criteria: Invitae Variant Classification Sherloc (09022015). Collection method: clinical testing. Allele origin: germline.
Comment: In summary, the available evidence is currently insufficient to determine the role of this variant in disease. Therefore, it has been classified as a Variant of Uncertain Significance. This sequence change replaces cysteine, which is neutral and slightly polar, with arginine, which is basic and polar, at codon 416 of the CHM protein (p.Cys416Arg). This variant is not present in population databases (gnomAD no frequency). This variant has not been reported in the literature in individuals affected with CHM-related conditions. ClinVar contains an entry for this variant (Variation ID: 933944). Algorithms developed to predict the effect of missense changes on protein structure and function are either unavailable or do not agree on the potential impact of this missense change (SIFT: "Tolerated"; PolyPhen-2: "Probably Damaging"; Align-GVGD: "Class C0").

NM_000390.4(CHM):c.1246T>C (p.Cys416Arg)

Gene: CHM (CHM Rab escort protein; minus strand). Cytogenetic location: Xq21.2.
Variant type: single nucleotide variant.
Coding change: c.1246T>C on transcript NM_000390.4 (MANE Select); coding-DNA position 1246, T replaced by C.
Protein change: p.Cys416Arg; replaces cysteine 416 with arginine.
Molecular consequence: missense variant.
Genome position (GRCh38, 1-based): chrX:85,901,187, A>G on the plus strand (T>C on the coding strand, the complement: CHM is on the minus strand). VCF-style: chrX-85901187-A-G. GRCh37 (hg19) VCF-style: chrX-85156192-A-G.
Other names: c.802T>C, p.Cys268Arg (NM_001320959.1, NM_001362517.1, NM_001362518.2 and 1 more transcripts); short protein forms C416R, C268R.
Identifiers: ClinVar variation 933944 (VCV000933944.9), dbSNP rs1926267075, ClinGen allele CA413789983.
Genomic context (GRCh38, chrX:85,901,187, plus strand): 5'-CCTCCACGAGGAAATGCTCAGAGATTATTCTCTGACCAAACTGATCTATAATTGCTTTAC[A>G]TCTATAAAGAAGATAAGCATACCATAAAAGTTCATATTAATGATTAAATAATTGAGAAAA-3'
Protein context (NP_000381.1, residues 406-426): CLVVDKESRK[Cys416Arg]KAIIDQFGQR